The following is an entry in ClinVar:

ClinVar aggregate classification (germline): Uncertain significance (1 of 4 stars; one submission).

Conditions:
Hereditary cancer-predisposing syndrome. Also called: Neoplastic Syndromes, Hereditary; Tumor predisposition; Hereditary Cancer Syndrome; Hereditary neoplastic syndrome. Identifiers: Orphanet 140162, MedGen C0027672, MeSH D009386, MONDO:0015356.

Submission:

Ambry Genetics
Classification: Uncertain significance for Hereditary cancer-predisposing syndrome. Last evaluated: 2026-07-01. Review status: criteria provided, single submitter. Criteria: Ambry Variant Classification Scheme 2023. Collection method: clinical testing. Allele origin: germline.
Comment: The p.E845Q variant (also known as c.2533G>C), located in coding exon 21 of the TSC2 gene, results from a G to C substitution at nucleotide position 2533. The glutamic acid at codon 845 is replaced by glutamine, an amino acid with highly similar properties. This amino acid position is highly conserved in available vertebrate species. In addition, this alteration is predicted to be deleterious by in silico analysis. Based on the available evidence, the clinical significance of this variant remains unclear.

NM_000548.5(TSC2):c.2533G>C (p.Glu845Gln)

Gene: TSC2 (TSC complex subunit 2; plus strand). Cytogenetic location: 16p13.3.
Variant type: single nucleotide variant.
Coding change: c.2533G>C on transcript NM_000548.5 (MANE Select); coding-DNA position 2533, G replaced by C.
Protein change: p.Glu845Gln; replaces glutamic acid 845 with glutamine.
Molecular consequence: missense variant. On other transcripts: non-coding transcript variant (5).
Genome position (GRCh38, 1-based): chr16:2,074,377, G>C. VCF-style: chr16-2074377-G-C. GRCh37 (hg19) VCF-style: chr16-2124378-G-C.
Other names: c.2521G>C, p.Glu841Gln (NM_001406673.1, NM_001406671.1); c.2386G>C, p.Glu796Gln (NM_001406675.1, NM_001406676.1, NM_001406679.1 and 1 more transcripts); c.2476G>C, p.Glu826Gln (NM_001406677.1); c.2422G>C, p.Glu808Gln (NM_001406678.1, NM_001318827.2, NM_001406670.1); c.1933G>C, p.Glu645Gln (NM_001406680.1, NM_001406682.1, NM_001406683.1 and 6 more transcripts); c.2071G>C, p.Glu691Gln (NM_001406681.1); c.2533G>C, p.Glu845Gln (NM_001077183.3, NM_001114382.3, NM_001363528.2 and 6 more transcripts); c.2566G>C, p.Glu856Gln (NM_001318832.2); and 3 more; short protein forms E311Q, E397Q, E645Q, E691Q, E796Q, E808Q, E826Q, E841Q.
Identifiers: ClinVar variation 3232118 (VCV003232118.2), dbSNP rs1466275499, ClinGen allele CA394277982.